The following is an entry in ClinVar:

ClinVar aggregate classification (germline): Conflicting classifications of pathogenicity. Review status: criteria provided, conflicting classifications (1 of 4 stars). 5 submissions from 5 submitters: Uncertain significance (3); Benign (1). 1 of the submissions does not count toward it. Last evaluated 2026-05-03.

Conditions:
Hereditary cancer-predisposing syndrome. Also called: Neoplastic Syndromes, Hereditary; Tumor predisposition; Hereditary Cancer Syndrome; Hereditary neoplastic syndrome. Identifiers: Orphanet 140162, MedGen C0027672, MeSH D009386, MONDO:0015356.
Retinoblastoma (RB1). Also called: RETINOBLASTOMA, SOMATIC. Identifiers: Orphanet 790, MedGen C0035335, MeSH D012175, MONDO:0008380, OMIM 180200, HP:0009919. Disease mechanism: loss of function. Inheritance: Both sporadic and heritable forms are tested..
Gorlin syndrome. Also called: Nevoid Basal Cell Carcinoma Syndrome; Basal cell nevus syndrome. Identifiers: Orphanet 377, MedGen C0004779, MONDO:0007187.
PTCH1-related disorder. Also called: PTCH1-related disorders; PTCH1-related condition.

Allele frequency attached by ClinVar (database versions not stated): gnomAD 0.00001 and 0.00002; TOPMed 0.00001; ExAC 0.00002; gnomAD exomes 0.00002 and 0.00003.
gnomAD v4.1: 27 of 1,614,094 alleles (0.0017%); highest among the groups gnomAD compares: South Asian, 0.0088%; no homozygotes.

Submissions (5):

PreventionGenetics, part of Exact Sciences
Classification: Uncertain significance for PTCH1-related condition. Last evaluated: 2026-05-03. Review status: criteria provided, single submitter. Criteria: ACMG Guidelines, 2015. Collection method: clinical testing. Allele origin: germline.
Comment: The PTCH1 c.4303G>A variant is predicted to result in the amino acid substitution p.Val1435Met. To our knowledge, this variant has not been reported in affected individuals in the literature. This variant is reported in 0.0098% of alleles in individuals of South Asian descent in gnomAD. This variant has conflicting classifications in ClinVar, ranging from uncertain significance to benign (Variation ID: 135107). At this time, the clinical significance of this variant is uncertain due to the absence of conclusive functional and genetic evidence.

Ambry Genetics
Classification: Benign for Hereditary cancer-predisposing syndrome. Last evaluated: 2025-05-21. Review status: criteria provided, single submitter. Criteria: Ambry Variant Classification Scheme 2023. Collection method: clinical testing. Allele origin: germline.

Labcorp Genetics (formerly Invitae), Labcorp
Classification: Uncertain significance for Gorlin syndrome. Last evaluated: 2024-11-11. Review status: criteria provided, single submitter. Criteria: Invitae Variant Classification Sherloc (09022015). Collection method: clinical testing. Allele origin: germline.
Comment: This sequence change replaces valine, which is neutral and non-polar, with methionine, which is neutral and non-polar, at codon 1435 of the PTCH1 protein (p.Val1435Met). This variant is present in population databases (rs587778632, gnomAD 0.01%). This variant has not been reported in the literature in individuals affected with PTCH1-related conditions. ClinVar contains an entry for this variant (Variation ID: 135107). Invitae Evidence Modeling of protein sequence and biophysical properties (such as structural, functional, and spatial information, amino acid conservation, physicochemical variation, residue mobility, and thermodynamic stability) indicates that this missense variant is not expected to disrupt PTCH1 protein function with a negative predictive value of 95%. In summary, the available evidence is currently insufficient to determine the role of this variant in disease. Therefore, it has been classified as a Variant of Uncertain Significance.

St. Jude Molecular Pathology, St. Jude Children's Research Hospital
Classification: Uncertain significance for Retinoblastoma. Last evaluated: 2016-03-11. Review status: criteria provided, single submitter. Criteria: ACMG Guidelines, 2015. Collection method: clinical testing. Allele origin: germline. Affected: yes.

ITMI
No classification provided. Condition: AllHighlyPenetrant. Last evaluated: 2013-09-19. Review status: no classification provided. Collection method: reference population. Allele origin: germline. Not counted in ClinVar's aggregate classification.
Comment: Please see associated publication for description of ethnicities

Literature cited by the submitters: PubMed 24728327 (cited by Ambry Genetics and ITMI).

NM_000264.5(PTCH1):c.4303G>A (p.Val1435Met)

Gene: PTCH1 (patched 1; minus strand). Cytogenetic location: 9q22.32.
Variant type: single nucleotide variant.
Coding change: c.4303G>A on transcript NM_000264.5 (MANE Select); coding-DNA position 4303, G replaced by A.
Protein change: p.Val1435Met; replaces valine 1435 with methionine.
Molecular consequence: missense variant. On other transcripts: non-coding transcript variant (1).
Genome position (GRCh38, 1-based): chr9:95,446,953, C>T on the plus strand (G>A on the coding strand, the complement: PTCH1 is on the minus strand). VCF-style: chr9-95446953-C-T. GRCh37 (hg19) VCF-style: chr9-98209235-C-T.
Other names: c.4105G>A, p.Val1369Met (NM_001083602.3); c.4300G>A, p.Val1434Met (NM_001083603.3); c.3850G>A, p.Val1284Met (NM_001083604.3, NM_001083605.3, NM_001083606.3 and 1 more transcripts); c.4147G>A, p.Val1383Met (NM_001354918.2); short protein forms V1369M, V1435M, V1383M, V1434M, V1284M.
Identifiers: ClinVar variation 135107 (VCV000135107.15), dbSNP rs587778632, ClinGen allele CA161744.